The following is an entry in ClinVar:

ClinVar aggregate classification (germline): Likely benign. Review status: criteria provided, single submitter (1 of 4 stars). 2 submissions from 2 submitters: Likely benign (1). 1 of the submissions does not count toward it. Last evaluated 2025-12-23.

Conditions:
SMPD1-related disorder. Also called: SMPD1-related condition.
Niemann-Pick disease, type A. Also called: SPHINGOMYELIN LIPIDOSIS; SPHINGOMYELINASE DEFICIENCY; Infantile Neurovisceral ASMD (Niemann-Pick Disease Type A; NPD-A). Identifiers: Orphanet 77292, MedGen C0268242, MONDO:0009756, OMIM 257200. Disease mechanism: loss of function.
Niemann-Pick disease, type B. Also called: Chronic Visceral ASMD (Niemann-Pick Disease Type B; NPD-B). Identifiers: Orphanet 77293, MedGen C0268243, MONDO:0011871, OMIM 607616. Disease mechanism: loss of function.

Allele frequency attached by ClinVar (database versions not stated): gnomAD exomes below 0.00001; TOPMed below 0.00001; gnomAD 0.00001.
gnomAD v4.1: 7 of 1,614,036 alleles (0.00043%); highest among the groups gnomAD compares: East Asian, 0.0067%; no homozygotes.

Submissions (2):

Labcorp Genetics (formerly Invitae), Labcorp
Classification: Likely benign for Niemann-Pick disease, type B; Niemann-Pick disease, type A. Last evaluated: 2025-12-23. Review status: criteria provided, single submitter. Criteria: Invitae Variant Classification Sherloc (09022015). Collection method: clinical testing. Allele origin: germline.

PreventionGenetics, part of Exact Sciences
Classification: Likely benign for SMPD1-related condition. Last evaluated: 2023-09-06. Review status: no assertion criteria provided. Collection method: clinical testing. Allele origin: germline. Not counted in ClinVar's aggregate classification.
Comment: This variant is classified as likely benign based on ACMG/AMP sequence variant interpretation guidelines (Richards et al. 2015 PMID: 25741868, with internal and published modifications).

NM_000543.5(SMPD1):c.1527C>T (p.Ser509=)

Gene: SMPD1 (sphingomyelin phosphodiesterase 1; plus strand). Cytogenetic location: 11p15.4.
Variant type: single nucleotide variant.
Coding change: c.1527C>T on transcript NM_000543.5 (MANE Select); coding-DNA position 1527, C replaced by T.
Protein change: p.Ser509=; no amino-acid change (serine 509 retained).
Molecular consequence: synonymous variant. On other transcripts: 3 prime UTR variant (1), non-coding transcript variant (2).
Genome position (GRCh38, 1-based): chr11:6,394,238, C>T. VCF-style: chr11-6394238-C-T. GRCh37 (hg19) VCF-style: chr11-6415468-C-T.
Other names: c.1524C>T, p.Ser508= (NM_001007593.3); c.*20C>T (NM_001318087.2); c.606C>T, p.Ser202= (NM_001318088.2); c.1395C>T, p.Ser465= (NM_001365135.2); c.1527C>T (NM_000543.4).
Identifiers: ClinVar variation 1578620 (VCV001578620.10), dbSNP rs944330326, ClinGen allele CA217302641.
Genomic context (GRCh38, chr11:6,394,238, plus strand): 5'-TCAGCCCCACATCCTTGCAGGTTACCGTGTGTACCAAATAGATGGAAACTACTCCGGGAG[C>T]TCTCACGTGGTCCTGGACCATGAGACCTACATCCTGAATCTGACCCAGGCAAACATACCG-3'
Protein context (NP_000534.3, residues 499-519): VYQIDGNYSG[Ser509=]SHVVLDHETY